The following is an entry in ClinVar:

ClinVar aggregate classification (germline): Pathogenic (1 of 4 stars; one submission).

Submission:

Labcorp Genetics (formerly Invitae), Labcorp
Classification: Pathogenic. Last evaluated: 2022-09-07. Review status: criteria provided, single submitter. Criteria: Invitae Variant Classification Sherloc (09022015). Collection method: clinical testing. Allele origin: germline.
Comment: For these reasons, this variant has been classified as Pathogenic. This variant has not been reported in the literature in individuals affected with PHYH-related conditions. This variant is a gross deletion of the genomic region encompassing exon(s) 2 of the PHYH gene. This deletion is out-of-frame, and is expected to create a premature termination codon and result in an absent or disrupted protein product. Loss-of-function variants in PHYH are known to be pathogenic (PMID: 9326940, 14974078).

Literature cited by the submitters: PubMed 9326940; PubMed 14974078.

NC_000010.10:g.(?_13340167)_(13340265_?)del

Gene: PHYH (phytanoyl-CoA 2-hydroxylase; minus strand). Cytogenetic location: 10p13.
Variant type: Deletion.
Identifiers: ClinVar variation 2425532 (VCV002425532.4).